The following is an entry in ClinVar:

NM_006767.4(LZTR1):c.1943-285del

Gene: LZTR1 (leucine zipper like post translational regulator 1; plus strand). Cytogenetic location: 22q11.21.
Variant type: Deletion.
Coding change: c.1943-285del on transcript NM_006767.4 (MANE Select); 285 bases into the intron before coding-DNA position 1943, one base deleted (G; older notation c.1943-285delG).
Molecular consequence: intron variant.
Genome position (GRCh38, 1-based): chr22:20,995,461, G deleted; the last of 3 consecutive G bases (chr22:20,995,459-20,995,461); deleting any one gives the same sequence. VCF-style (leftmost placement, unchanged base first): chr22-20995458-TG-T. GRCh37 (hg19) VCF-style: chr22-21349747-TG-T.
Identifiers: ClinVar variation 3238173 (VCV003238173.2), dbSNP rs1180155083.

ClinVar aggregate classification (germline): Uncertain significance (1 of 4 stars; one submission).

Conditions:
Hereditary cancer-predisposing syndrome. Also called: Neoplastic Syndromes, Hereditary; Tumor predisposition; Hereditary neoplastic syndrome; Hereditary Cancer Syndrome. Identifiers: Orphanet 140162, MedGen C0027672, MeSH D009386, MONDO:0015356.
Cardiovascular phenotype. Identifiers: MedGen CN230736.

Submission:

Ambry Genetics
Classification: Uncertain significance for Cardiovascular phenotype; Hereditary cancer-predisposing syndrome. Last evaluated: 2025-10-31. Review status: criteria provided, single submitter. Criteria: Ambry Variant Classification Scheme 2023. Collection method: clinical testing. Allele origin: germline.
Comment: The c.1943-285delG intronic variant, located in intron 16 of the LZTR1 gene, results from a deletion of one nucleotide within intron 16 of the LZTR1 gene. This nucleotide position is well conserved in available vertebrate species. In silico splice site analysis predicts that this alteration may result in the creation or strengthening of novel splice donor and acceptor sites, creating a cryptic exon within the intron; however, direct evidence is insufficient at this time (Ambry internal data). Since supporting evidence is limited at this time, the clinical significance of this alteration remains unclear.